The following is an entry in ClinVar:

NM_001165963.4(SCN1A):c.4006G>T (p.Val1336Phe)

Genes: SCN1A (sodium voltage-gated channel alpha subunit 1; minus strand), LOC102724058 (uncharacterized LOC102724058; plus strand). Cytogenetic location: 2q24.3.
Variant type: single nucleotide variant.
Coding change: c.4006G>T on transcript NM_001165963.4 (MANE Select); coding-DNA position 4006, G replaced by T.
Protein change: p.Val1336Phe; replaces valine 1336 with phenylalanine.
Molecular consequence: missense variant. On other transcripts: non-coding transcript variant (1).
Genome position (GRCh38, 1-based): chr2:166,002,750, C>A on the plus strand (G>T on the coding strand, the complement: SCN1A is on the minus strand). VCF-style: chr2-166002750-C-A. GRCh37 (hg19) VCF-style: chr2-166859260-C-A.
Other names: c.3922G>T, p.Val1308Phe (NM_001165964.3, NM_001353957.2, NM_001353958.2); c.4006G>T, p.Val1336Phe (NM_001202435.3, NM_001353948.2); c.3973G>T, p.Val1325Phe (NM_001353949.2, NM_001353950.2, NM_001353951.2 and 2 more transcripts); c.3970G>T, p.Val1324Phe (NM_001353954.2, NM_001353955.2); c.3919G>T, p.Val1307Phe (NM_001353960.2); c.1564G>T, p.Val522Phe (NM_001353961.2); short protein forms V1308F, V1325F, V522F, V1307F, V1324F, V1336F.
Identifiers: ClinVar variation 3571544 (VCV003571544.1).

ClinVar aggregate classification (germline): Likely pathogenic (1 of 4 stars; one submission).

Submission:

Athena Diagnostics
Classification: Likely pathogenic. Last evaluated: 2024-06-24. Review status: criteria provided, single submitter. Criteria: Athena Diagnostics Criteria. Collection method: clinical testing. Allele origin: unknown.
Comment: This variant has not been reported in large, multi-ethnic general populations. This variant has been confirmed to occur de novo in at least one individual tested at Athena Diagnostics with clinical features associated with this gene. Computational tools predict that this variant is damaging.